The following is an entry in ClinVar:

NM_205768.3(ZBTB18):c.1185G>C (p.Gln395His)

Gene: ZBTB18 (zinc finger and BTB domain containing 18; plus strand). Cytogenetic location: 1q44.
Variant type: single nucleotide variant.
Coding change: c.1185G>C on transcript NM_205768.3 (MANE Select); coding-DNA position 1185, G replaced by C.
Protein change: p.Gln395His; replaces glutamine 395 with histidine.
Molecular consequence: missense variant. On other transcripts: 3 prime UTR variant (1).
Genome position (GRCh38, 1-based): chr1:244,054,959, G>C. VCF-style: chr1-244054959-G-C. GRCh37 (hg19) VCF-style: chr1-244218261-G-C.
Other names: c.1158G>C, p.Gln386His (NM_001278196.2, NM_006352.5); c.*362G>C (NM_001421566.1); short protein forms Q386H, Q395H.
Identifiers: ClinVar variation 4763798 (VCV004763798.1).

ClinVar aggregate classification (germline): Uncertain significance (1 of 4 stars; one submission).

gnomAD v4.1: 15 of 1,614,092 alleles (0.00093%); highest among the groups gnomAD compares: Non-Finnish European, 0.001%; no homozygotes.

Submission:

Labcorp Genetics (formerly Invitae), Labcorp
Classification: Uncertain significance. Last evaluated: 2025-10-22. Review status: criteria provided, single submitter. Criteria: Invitae Variant Classification Sherloc (09022015). Collection method: clinical testing. Allele origin: germline.
Comment: This sequence change replaces glutamine, which is neutral and polar, with histidine, which is basic and polar, at codon 395 of the ZBTB18 protein (p.Gln395His). This variant is present in population databases (rs751162357, gnomAD 0.0009%). This variant has not been reported in the literature in individuals affected with ZBTB18-related conditions. An algorithm developed to predict the effect of missense changes on protein structure and function (PolyPhen-2) suggests that this variant is likely to be disruptive. In summary, the available evidence is currently insufficient to determine the role of this variant in disease. Therefore, it has been classified as a Variant of Uncertain Significance.